The following is an entry in ClinVar:

NM_025137.4(SPG11):c.3808del (p.Val1270fs)

Gene: SPG11 (SPG11 vesicle trafficking associated, spatacsin; minus strand). Cytogenetic location: 15q21.1.
Variant type: Deletion.
Coding change: c.3808del on transcript NM_025137.4 (MANE Select); coding-DNA position 3808, one base deleted (G; older notation c.3808delG).
Protein change: p.Val1270fs; shifts the reading frame from valine 1270.
Molecular consequence: frameshift variant.
Genome position (GRCh38, 1-based): chr15:44,598,715, C deleted on the plus strand (G on the coding strand, the reverse complement: SPG11 is on the minus strand). VCF-style (leftmost placement, unchanged base first): chr15-44598714-AC-A. GRCh37 (hg19) VCF-style: chr15-44890912-AC-A.
Other names: c.3808del, p.Val1270fs (NM_001160227.2, NM_001411132.1); short protein forms V1270fs.
Identifiers: ClinVar variation 2585169 (VCV002585169.1), dbSNP rs2505395070, ClinGen allele CA2582342618.

ClinVar aggregate classification (germline): Likely pathogenic (1 of 4 stars; one submission).

Conditions:
Hereditary spastic paraplegia 11. Also called: Spastic Paraplegia 11; SPASTIC PARAPLEGIA, AUTOSOMAL RECESSIVE, COMPLICATED, WITH THIN CORPUS CALLOSUM; SPASTIC PARAPLEGIA, AUTOSOMAL RECESSIVE, WITH MENTAL IMPAIRMENT AND THIN CORPUS CALLOSUM; Spastic paraplegia, mental retardation and thin corpus callosum; Nakamura Osame syndrome; Autosomal recessive hereditary spastic paraplegia, mental impairment, and thin corpus callosum. Identifiers: Orphanet 2822, MedGen C1858479, MONDO:0011445, OMIM 604360.

Submission:

Neuberg Centre For Genomic Medicine, NCGM
Classification: Likely pathogenic for Hereditary spastic paraplegia 11. Review status: criteria provided, single submitter. Criteria: ACMG Guidelines, 2015. Collection method: clinical testing. Allele origin: germline. Inheritance: Autosomal recessive inheritance. Affected: yes.
Comment: The frame shift c.3808del (p.Val1270LeufsTer3) variant in SPG11 gene has not been reported previously as a pathogenic variant nor as a benign variant, to our knowledge. The variant is novel (not in any individuals) in gnomAD Exomes and is novel (not in any individuals) in 1000 Genomes. This variant causes a frameshift starting with codon Valine 1270, changes this amino acid to Leucine residue, and creates a premature Stop codon at position 3 of the new reading frame, denoted p.Val1270LeufsTer3.This variant is predicted to cause loss of normal protein function through protein truncation. Loss of function variants have been previously reported to be disease causing. For these reasons, this variant has been classified as Likely Pathogenic.